The following is an entry in ClinVar:

NM_139057.4(ADAMTS17):c.2656G>A (p.Val886Met)

Gene: ADAMTS17 (ADAM metallopeptidase with thrombospondin type 1 motif 17; minus strand). Cytogenetic location: 15q26.3.
Variant type: single nucleotide variant.
Coding change: c.2656G>A on transcript NM_139057.4 (MANE Select); coding-DNA position 2656, G replaced by A.
Protein change: p.Val886Met; replaces valine 886 with methionine.
Molecular consequence: missense variant.
Genome position (GRCh38, 1-based): chr15:99,997,525, C>T on the plus strand (G>A on the coding strand, the complement: ADAMTS17 is on the minus strand). VCF-style: chr15-99997525-C-T. GRCh37 (hg19) VCF-style: chr15-100537730-C-T.
Other names: short protein forms V886M.
Identifiers: ClinVar variation 3680354 (VCV003680354.2).

ClinVar aggregate classification (germline): Uncertain significance (1 of 4 stars; one submission).

gnomAD v4.1: 2 of 1,613,676 alleles (0.00012%); highest among the groups gnomAD compares: African/African-American, 0.0013%; no homozygotes.

Submission:

Labcorp Genetics (formerly Invitae), Labcorp
Classification: Uncertain significance. Last evaluated: 2024-11-18. Review status: criteria provided, single submitter. Criteria: Invitae Variant Classification Sherloc (09022015). Collection method: clinical testing. Allele origin: germline.
Comment: This sequence change replaces valine, which is neutral and non-polar, with methionine, which is neutral and non-polar, at codon 886 of the ADAMTS17 protein (p.Val886Met). This variant is not present in population databases (gnomAD no frequency). This variant has not been reported in the literature in individuals affected with ADAMTS17-related conditions. An algorithm developed to predict the effect of missense changes on protein structure and function (PolyPhen-2) suggests that this variant is likely to be disruptive. In summary, the available evidence is currently insufficient to determine the role of this variant in disease. Therefore, it has been classified as a Variant of Uncertain Significance.